The following is an entry in ClinVar:

NM_000487.6(ARSA):c.925G>A (p.Glu309Lys)

Gene: ARSA (arylsulfatase A; minus strand). Cytogenetic location: 22q13.33.
Variant type: single nucleotide variant.
Coding change: c.925G>A on transcript NM_000487.6 (MANE Select); coding-DNA position 925, G replaced by A.
Protein change: p.Glu309Lys; replaces glutamic acid 309 with lysine.
Molecular consequence: missense variant.
Genome position (GRCh38, 1-based): chr22:50,626,208, C>T on the plus strand (G>A on the coding strand, the complement: ARSA is on the minus strand). VCF-style: chr22-50626208-C-T. GRCh37 (hg19) VCF-style: chr22-51064636-C-T.
Other names: NP_000478.3:p.(Glu309Lys); c.925G>A, p.Glu309Lys (NM_001085425.3, NM_001085426.3, NM_001085427.3); c.667G>A, p.Glu223Lys (NM_001085428.3, NM_001362782.2); short protein forms E309K, E223K.
Identifiers: ClinVar variation 68162 (VCV000068162.46), dbSNP rs199476360, ClinGen allele CA219080.

ClinVar aggregate classification (germline): Pathogenic. Review status: criteria provided, multiple submitters, no conflicts (2 of 4 stars). 10 submissions from 10 submitters: Pathogenic (9). 1 of the submissions does not count toward it. Last evaluated 2026-09-17.

Conditions:
Inborn genetic diseases. Identifiers: MedGen C0950123, MeSH D030342.
Metachromatic leukodystrophy (MLD). Also called: Cerebral sclerosis diffuse metachromatic form; Arylsulfatase A Deficiency; CEREBROSIDE SULFATASE DEFICIENCY; METACHROMATIC LEUKOENCEPHALOPATHY; SULFATIDE LIPIDOSIS; ARSA DEFICIENCY. Identifiers: Orphanet 512, MedGen C0023522, MONDO:0018868, OMIM 250100.

Allele frequency attached by ClinVar (database versions not stated): TOPMed 0.00002; gnomAD 0.00004.
gnomAD v4.1: 18 of 1,612,570 alleles (0.0011%); highest among the groups gnomAD compares: African/African-American, 0.0053%; no homozygotes.

Submissions (11):

Laboratory of Experimental Gene Therapy of Hereditary Metabolic Diseases, Research Centre for Medical Genetics
Classification: Pathogenic for Metachromatic leukodystrophy. Last evaluated: 2026-09-17. Review status: criteria provided, single submitter. Criteria: ARSA MLD Assertion Criteria V2 2026 09 18. Collection method: clinical testing. Allele origin: germline. Inheritance: Autosomal recessive inheritance. Affected: yes. Observed: 5 variant alleles, 5 compound heterozygotes.
Comment: The previously reported Pathogenic classification was reviewed and retained for the accompanying study. External ClinVar record reviewed: VCV000068162.42. Observations from the present referral series were not used to establish pathogenicity.

Ambry Genetics
Classification: Pathogenic for Inborn genetic diseases. Last evaluated: 2026-08-13. Review status: criteria provided, single submitter. Criteria: Ambry Variant Classification Scheme 2023. Collection method: clinical testing. Allele origin: germline.
Comment: The c.925G>A (p.E309K) alteration is located in exon 5 (coding exon 5) of the ARSA gene. This alteration results from a G to A substitution at nucleotide position 925, causing the glutamic acid (E) at amino acid position 309 to be replaced by a lysine (K). Based on data from gnomAD, the A allele has an overall frequency of 0.001% (4/277452) total alleles studied. The highest observed frequency was 0.008% (2/24476) of African alleles. This variant has been identified in the homozygous state and/or in conjunction with other ARSA variant(s) in individual(s) with features consistent with Metachromatic leukodystrophy; in at least one instance, the variants were identified in trans (Cesani, 2016; B&ouml;hringer, 2017; Chen, 2018; Guo, 2020; Mahdieh, 2021). Other variant(s) at the same codon, c.925G>C (p.E309Q), have been identified in individual(s) with features consistent with Metachromatic leukodystrophy (Cesani, 2016). This amino acid position is highly conserved in available vertebrate species. This alteration is predicted to be deleterious by in silico analysis. Based on the available evidence, this alteration is classified as pathogenic.

Natera, Inc.
Classification: Pathogenic for Metachromatic leukodystrophy. Last evaluated: 2026-01-08. Review status: criteria provided, single submitter. Criteria: Natera Variant Classification Schema (03/2026). Collection method: clinical testing. Allele origin: germline.
Comment: The c.925G>A variant in ARSA is a missense variant predicted to cause substitution of glutamic acid to lysine at amino acid 309. This variant is rare in the general population with a frequency below the threshold expected for the associated phenotype(s). This variant has been observed in one or more individuals affected with the associated recessive disease, as either homozygous or compound heterozygous with a second variant (PMID: 33385934, 32875726, 26462614, 30057904, 22993277). Computational prediction algorithms indicate this variant is likely to affect gene or protein function. Given the available evidence, this variant is classified as Pathogenic.

Dasa
Classification: Pathogenic. Last evaluated: 2025-11-09. Review status: criteria provided, single submitter. Criteria: DASA Assertion Criteria. Collection method: clinical testing. Allele origin: germline.
Comment: NM_000487.6(ARSA):c.925G>A (p.Glu309Lys) is a missense variant that results in the substitution of glutamic acid with lysine. Functional evidence supports a deleterious effect on the gene or gene product (PMID: 18768108; PMID: 19606494; PMID: 26462614; PMID: 30057904; PMID: 27904824). This variant has been recurrently observed in individuals with related phenotype (PMID: 18768108; PMID: 19606494; PMID: 26462614; PMID: 30057904; PMID: 27904824). Multiple computational predictions support a deleterious effect on the gene or gene product. The variant is present at low frequency in population datasets. Based on the available data, this variant is classified as pathogenic.

Labcorp Genetics (formerly Invitae), Labcorp
Classification: Pathogenic for Metachromatic leukodystrophy. Last evaluated: 2025-08-21. Review status: criteria provided, single submitter. Criteria: Invitae Variant Classification Sherloc (09022015). Collection method: clinical testing. Allele origin: germline.
Comment: This sequence change replaces glutamic acid, which is acidic and polar, with lysine, which is basic and polar, at codon 309 of the ARSA protein (p.Glu309Lys). This variant is present in population databases (rs199476360, gnomAD 0.008%). This missense change has been observed in individual(s) with metachromatic leukodystrophy (PMID: 18768108, 19606494, 26462614, 30057904). In at least one individual the data is consistent with being in trans (on the opposite chromosome) from a pathogenic variant. This variant is also known as p.Glu307Lys. ClinVar contains an entry for this variant (Variation ID: 68162). Invitae Evidence Modeling of protein sequence and biophysical properties (such as structural, functional, and spatial information, amino acid conservation, physicochemical variation, residue mobility, and thermodynamic stability) indicates that this missense variant is expected to disrupt ARSA protein function with a positive predictive value of 95%. Experimental studies have shown that this missense change affects ARSA function (PMID: 19606494, 27904824, 28762252). For these reasons, this variant has been classified as Pathogenic.

GeneDx
Classification: Pathogenic. Last evaluated: 2024-12-14. Review status: criteria provided, single submitter. Criteria: GeneDx Variant Classification Process June 2021. Collection method: clinical testing. Allele origin: germline. Affected: yes.
Comment: Not observed at significant frequency in large population cohorts (gnomAD); In silico analysis supports that this missense variant has a deleterious effect on protein structure/function; Also known as p.(E307K); This variant is associated with the following publications: (PMID: Hassannejad_2020, 32875726, 18768108, 27904824, 19606494, 37480112, 17438611, 33385934, 33855715, 30057904, 28762252, 26462614)

CeGaT Center for Human Genetics Tuebingen
Classification: Pathogenic. Last evaluated: 2023-11-01. Review status: criteria provided, single submitter. Criteria: CeGaT Center For Human Genetics Tuebingen Variant Classification Criteria Version 2. Collection method: clinical testing. Allele origin: germline. Affected: yes. Observed: 2 variant alleles.
Comment: ARSA: PM3:Very Strong, PM1, PM2, PM5, PS3:Supporting

Women's Health and Genetics/Laboratory Corporation of America, LabCorp
Classification: Pathogenic for Metachromatic leukodystrophy. Last evaluated: 2023-06-16. Review status: criteria provided, single submitter. Criteria: LabCorp Variant Classification Summary - May 2015. Collection method: clinical testing. Allele origin: germline.
Comment: Variant summary: ARSA c.925G>A (p.Glu309Lys) results in a conservative amino acid change in the encoded protein sequence. Four of five in-silico tools predict a damaging effect of the variant on protein function. The variant allele was found at a frequency of 4.1e-06 in 246094 control chromosomes (gnomAD). c.925G>A has been reported in the literature as a biallelic genotype in multiple individuals affected with Metachromatic Leukodystrophy (e.g. Biffi_2008, Cesani_2015, Guo_2020, Santhanakumaran_2022). These data indicate that the variant is very likely to be associated with disease. At least two publications report experimental evidence evaluating an impact on protein function in vitro and found the variant effect results in <10% of normal activity, even when overexpressed (e.g. Cesani_2009, Bohringer_2017). The following publications have been ascertained in the context of this evaluation (PMID: 18786133, 19606494, 26462614, 32875726, 36240581, 28762252). Two clinical diagnostic laboratories have submitted clinical-significance assessments for this variant to ClinVar after 2014 and both classified the variant as pathogenic. Based on the evidence outlined above, the variant was classified as pathogenic.

Kasturba Medical College, Manipal, Kasturba Medical College, Manipal, Manipal Academy of Higher Education, Manipal, India
Classification: Pathogenic for Metachromatic leukodystrophy. Review status: criteria provided, single submitter. Criteria: ACMG Guidelines, 2015. Collection method: clinical testing. Allele origin: inherited. Inheritance: Autosomal recessive inheritance. Affected: yes.

Gelb Laboratory, University of Washington
No classification provided (evidence only). Condition: Metachromatic leukodystrophy. Review status: no classification provided. Collection method: in vitro. Allele origin: not applicable. Functional consequence: loss of function. Not counted in ClinVar's aggregate classification.

UniProtKB/Swiss-Prot
No classification provided. Review status: no classification provided. Collection method: not provided. Allele origin: not provided. Not counted in ClinVar's aggregate classification.

Literature cited by the submitters: PubMed 26462614 (cited by 5 submitters); PubMed 28762252 (cited by 4 submitters); PubMed 30057904 (cited by 4 submitters); PubMed 32875726 (cited by 3 submitters); PubMed 33385934 (cited by Ambry Genetics and Natera, Inc.); PubMed 22993277 (cited by Natera, Inc.); PubMed 18768108 (cited by Dasa and Labcorp Genetics (formerly Invitae), Labcorp); PubMed 19606494 (cited by 3 submitters); PubMed 27904824 (cited by Dasa and Labcorp Genetics (formerly Invitae), Labcorp); PubMed 18786133 (cited by Women's Health and Genetics/Laboratory Corporation of America, LabCorp); PubMed 36240581 (cited by Women's Health and Genetics/Laboratory Corporation of America, LabCorp).